The following is an entry in ClinVar:

NM_001271.4(CHD2):c.1233C>T (p.Pro411=)

Gene: CHD2 (chromodomain helicase DNA binding protein 2; plus strand). Cytogenetic location: 15q26.1.
Variant type: single nucleotide variant.
Coding change: c.1233C>T on transcript NM_001271.4 (MANE Select); coding-DNA position 1233, C replaced by T.
Protein change: p.Pro411=; no amino-acid change (proline 411 retained).
Molecular consequence: synonymous variant.
Genome position (GRCh38, 1-based): chr15:92,946,072, C>T. VCF-style: chr15-92946072-C-T. GRCh37 (hg19) VCF-style: chr15-93489302-C-T.
Other names: c.1233C>T, p.Pro411= (NM_001042572.3).
Identifiers: ClinVar variation 668455 (VCV000668455.13), dbSNP rs202188833, ClinGen allele CA7747762.

ClinVar aggregate classification (germline): Likely benign. Review status: criteria provided, multiple submitters, no conflicts (2 of 4 stars). 3 submissions from 3 submitters: Likely benign (3). Last evaluated 2025-07-22.

Conditions:
Developmental and epileptic encephalopathy 94 (DEE94). Also called: CHD2-Related Neurodevelopmental Disorders; Epileptic encephalopathy, childhood-onset. Identifiers: Orphanet 1942, Orphanet 2382, MedGen C3809278, MONDO:0014150, OMIM 615369.

Allele frequency attached by ClinVar (database versions not stated): TOPMed 0.00005; gnomAD 0.00006 and 0.00007; ExAC 0.00007; ESP Exome Variant Server 0.00008; gnomAD exomes 0.00010.
gnomAD v4.1: 124 of 1,602,114 alleles (0.0077%); highest among the groups gnomAD compares: South Asian, 0.038%; 1 homozygote.

Submissions (3):

Labcorp Genetics (formerly Invitae), Labcorp
Classification: Likely benign for Developmental and epileptic encephalopathy 94. Last evaluated: 2025-07-22. Review status: criteria provided, single submitter. Criteria: Invitae Variant Classification Sherloc (09022015). Collection method: clinical testing. Allele origin: germline.

Blueprint Genetics
Classification: Likely benign. Last evaluated: 2024-01-18. Review status: criteria provided, single submitter. Criteria: ACMG Guidelines, 2015. Collection method: clinical testing. Allele origin: germline.

GeneDx
Classification: Likely benign. Last evaluated: 2018-05-17. Review status: criteria provided, single submitter. Criteria: GeneDx Variant Classification (06012015). Collection method: clinical testing. Allele origin: germline. Affected: yes.
Comment: This variant is considered likely benign or benign based on one or more of the following criteria: it is a conservative change, it occurs at a poorly conserved position in the protein, it is predicted to be benign by multiple in silico algorithms, and/or has population frequency not consistent with disease.